The following is an entry in ClinVar:

NM_145200.5(CABP4):c.414C>T (p.Phe138=)

Gene: CABP4 (calcium binding protein 4; plus strand). Cytogenetic location: 11q13.2.
Variant type: single nucleotide variant.
Coding change: c.414C>T on transcript NM_145200.5 (MANE Select); coding-DNA position 414, C replaced by T.
Protein change: p.Phe138=; no amino-acid change (phenylalanine 138 retained).
Molecular consequence: synonymous variant.
Genome position (GRCh38, 1-based): chr11:67,456,315, C>T. VCF-style: chr11-67456315-C-T. GRCh37 (hg19) VCF-style: chr11-67223786-C-T.
Other names: c.99C>T, p.Phe33= (NM_001300895.3, NM_001300896.3, NM_001379183.1); c.414C>T (NM_145200.3).
Identifiers: ClinVar variation 1561690 (VCV001561690.10), dbSNP rs770861510, ClinGen allele CA6140211.

ClinVar aggregate classification (germline): Likely benign. Review status: criteria provided, multiple submitters, no conflicts (2 of 4 stars). 3 submissions from 3 submitters: Likely benign (3). Last evaluated 2026-06-04.

Conditions:
CABP4-related disorder. Also called: CABP4-related condition.

Allele frequency attached by ClinVar (database versions not stated): gnomAD 0.00003 and 0.00004; TOPMed 0.00003; gnomAD exomes 0.00007 and 0.00009; ExAC 0.00012.

Submissions (3):

PreventionGenetics, part of Exact Sciences
Classification: Likely benign for CABP4-related condition. Last evaluated: 2026-06-04. Review status: criteria provided, single submitter. Criteria: ACMG Guidelines, 2015. Collection method: clinical testing. Allele origin: germline.
Comment: This variant is classified as likely benign based on ACMG/AMP sequence variant interpretation guidelines (Richards et al. 2015 PMID: 25741868, with internal and published modifications).

Labcorp Genetics (formerly Invitae), Labcorp
Classification: Likely benign. Last evaluated: 2025-04-21. Review status: criteria provided, single submitter. Criteria: Invitae Variant Classification Sherloc (09022015). Collection method: clinical testing. Allele origin: germline.

Blueprint Genetics
Classification: Likely benign. Last evaluated: 2022-11-06. Review status: criteria provided, single submitter. Criteria: ACMG Guidelines, 2015. Collection method: clinical testing. Allele origin: germline.